The following is an entry in ClinVar:

NM_024649.5(BBS1):c.356_357insGGCCGGGCGCGGTGGCTCACGCCTGTAATCCCAGCACTTTGGGAGGCCGAGGCGGGCGGATCACGAGGTCAGNNNNNNNNNNAAAAAAAAAAAAAAAAAAAAAAGAATCTCAG (p.Arg119_Pro120insAlaGlyArgGlyGlySerArgLeuTer)

Gene: BBS1 (Bardet-Biedl syndrome 1; plus strand). Cytogenetic location: 11q13.2.
Variant type: Insertion.
Coding change: c.356_357insGGCCGGGCGCGGTGGCTCACGCCTGTAATCCCAGCACTTTGGGAGGCCGAGGCGGGCGGATCACGAGGTCAGNNNNNNNNNNAAAAAAAAAAAAAAAAAAAAAAGAATCTCAG on transcript NM_024649.5 (MANE Select); coding-DNA positions 356 to 357, GGCCGGGCGCGGTGGCTCACGCCTGTAATCCCAGCACTTTGGGAGGCCGAGGCGGGCGGATCACGAGGTCAGNNNNNNNNNNAAAAAAAAAAAAAAAAAAAAAAGAATCTCAG inserted.
Protein change: p.Arg119_Pro120insAlaGlyArgGlyGlySerArgLeuTer.
Molecular consequence: nonsense, inframe insertion.
Genome position: GRCh38: chr11:66,514,602-66,514,603. GRCh37 (hg19): chr11:66,282,073-66,282,074.
Identifiers: ClinVar variation 2841953 (VCV002841953.3), dbSNP rs2495736716.

ClinVar aggregate classification (germline): Pathogenic (1 of 4 stars; one submission).

Conditions:
Bardet-Biedl syndrome (BBS). Identifiers: Orphanet 110, MedGen C0752166, MONDO:0015229.

Submission:

Labcorp Genetics (formerly Invitae), Labcorp
Classification: Pathogenic for Bardet-Biedl syndrome. Last evaluated: 2023-03-01. Review status: criteria provided, single submitter. Criteria: Invitae Variant Classification Sherloc (09022015). Collection method: clinical testing. Allele origin: germline.
Comment: For these reasons, this variant has been classified as Pathogenic. Retrotransposon insertions including LINE1 (L1), Alu, and SVA (SINE-VNTR-Alu) have been reported to be disease-causing through disruption of either a coding region or splice site (PMID: 19763152, 20307669, 22406018) and loss-of-function variants in BBS1 are known to be pathogenic (PMID: 12118255, 21520335, 27032803). Algorithms developed to predict the effect of sequence changes on RNA splicing suggest that this variant may disrupt the consensus splice site. This variant has not been reported in the literature in individuals affected with BBS1-related conditions. This variant is not present in population databases (gnomAD no frequency). This sequence change inserts a large fragment of DNA, likely a transposable element, in exon 4 of the BBS1 gene (c.356_357ins?), causing a frameshift at codon 119 (p.119fs). The exact size and sequence of the insertion cannot be determined by the current assay. However, the insertion is expected to result in an absent or disrupted protein product.

Literature cited by the submitters: PubMed 19763152; PubMed 20307669; PubMed 22406018; PubMed 12118255; PubMed 21520335; PubMed 27032803.